The following is an entry in ClinVar:

NM_001145809.2(MYH14):c.3568G>A (p.Val1190Met)

Gene: MYH14 (myosin heavy chain 14; plus strand). Cytogenetic location: 19q13.33.
Variant type: single nucleotide variant.
Coding change: c.3568G>A on transcript NM_001145809.2 (MANE Select); coding-DNA position 3568, G replaced by A.
Protein change: p.Val1190Met; replaces valine 1190 with methionine.
Molecular consequence: missense variant.
Genome position (GRCh38, 1-based): chr19:50,276,091, G>A. VCF-style: chr19-50276091-G-A. GRCh37 (hg19) VCF-style: chr19-50779348-G-A.
Other names: c.3469G>A, p.Val1157Met (NM_001077186.2); c.3445G>A, p.Val1149Met (NM_024729.4); short protein forms V1149M, V1157M, V1190M.
Identifiers: ClinVar variation 3388752 (VCV003388752.14).

ClinVar aggregate classification (germline): Likely benign (1 of 4 stars; one submission).

gnomAD v4.1: 19 of 1,610,164 alleles (0.0012%); highest among the groups gnomAD compares: East Asian, 0.011%; no homozygotes.

Submission:

CeGaT Center for Human Genetics Tuebingen
Classification: Likely benign. Last evaluated: 2024-09-01. Review status: criteria provided, single submitter. Criteria: CeGaT Center For Human Genetics Tuebingen Variant Classification Criteria Version 2. Collection method: clinical testing. Allele origin: germline. Affected: yes. Observed: 1 variant allele.
Comment: MYH14: BP4, BS2